The following is an entry in ClinVar:

ClinVar aggregate classification (germline): Conflicting classifications of pathogenicity. Review status: criteria provided, conflicting classifications (1 of 4 stars). 28 submissions from 24 submitters: Uncertain significance (1); Benign (11); Likely benign (10). 6 of the submissions do not count toward it. Last evaluated 2026-10-01.

Conditions:
TTN-related myopathy. Identifiers: MedGen CN294812, MONDO:0100175.
Cardiomyopathy (CMYO). Also called: Cardiomyopathies. Identifiers: Orphanet 167848, MedGen C0878544, MONDO:0004994, HP:0001638. Inheritance: Various modes of inheritance.
Atrial fibrillation. Identifiers: MedGen C0004238, MONDO:0004981, HP:0005110.
Cardiovascular phenotype. Identifiers: MedGen CN230736.
Dilated cardiomyopathy 1G (CMD1G). Identifiers: Orphanet 154, MedGen C1858763, MONDO:0011400, OMIM 604145.
Autosomal recessive limb-girdle muscular dystrophy type 2J (LGMDR10). Also called: MUSCULAR DYSTROPHY, LIMB-GIRDLE, AUTOSOMAL RECESSIVE 10; Limb-girdle muscular dystrophy, type 2J. Identifiers: Orphanet 140922, MedGen C1837342, MONDO:0012127, OMIM 608807.
Early-onset myopathy with fatal cardiomyopathy (CMYO5). Also called: CONGENITAL MYOPATHY 5 WITH CARDIOMYOPATHY; Salih Myopathy. Identifiers: Orphanet 289377, MedGen C2673677, MONDO:0012714, OMIM 611705. Disease mechanism: loss of function.
Myopathy, myofibrillar, 9, with early respiratory failure (MFM9). Also called: Myopathy, distal, with early respiratory failure, autosomal dominant; Hereditary myopathy with early respiratory failure; MYOPATHY, PROXIMAL, WITH EARLY RESPIRATORY MUSCLE INVOLVEMENT; EDSTROM MYOPATHY. Identifiers: Orphanet 178464, Orphanet 34521, MedGen C1863599, MONDO:0011362, OMIM 603689.
Tibial muscular dystrophy (TMD). Also called: Udd Distal Myopathy – Tibial Muscular Dystrophy; Tibial muscular dystrophy, tardive; UDD MYOPATHY. Identifiers: Orphanet 609, MedGen C1838244, MONDO:0010870, OMIM 600334.

Allele frequency attached by ClinVar (database versions not stated): 1000 Genomes Project 0.00280; gnomAD exomes 0.00562; TOPMed 0.00579; gnomAD 0.00613 and 0.00603; 1000 Genomes Project 30x 0.00281; ESP Exome Variant Server 0.00737; ExAC 0.00564.
gnomAD v4.1: 13,988 of 1,613,814 alleles (0.87%); highest among the groups gnomAD compares: Non-Finnish European, 1.1%; 86 homozygotes.

Submissions 1 to 15 of 28:

CeGaT Center for Human Genetics Tuebingen
Classification: Benign. Last evaluated: 2026-10-01. Review status: criteria provided, single submitter. Criteria: CeGaT Center For Human Genetics Tuebingen Variant Classification Criteria Version 2. Collection method: clinical testing. Allele origin: germline. Affected: yes. Observed: 84 variant alleles.
Comment: TTN: BS1, BS2

Labcorp Genetics (formerly Invitae), Labcorp
Classification: Benign for Dilated cardiomyopathy 1G; Autosomal recessive limb-girdle muscular dystrophy type 2J. Last evaluated: 2026-02-04. Review status: criteria provided, single submitter. Criteria: Invitae Variant Classification Sherloc (09022015). Collection method: clinical testing. Allele origin: germline.

Molecular Diagnostic Laboratory for Inherited Cardiovascular Disease, Montreal Heart Institute
Classification: Likely benign. Last evaluated: 2025-04-09. Review status: criteria provided, single submitter. Criteria: ACMG Guidelines, 2015. Collection method: clinical testing. Allele origin: germline. Affected: no.

ARUP Laboratories, Molecular Genetics and Genomics, ARUP Laboratories
Classification: Likely benign. Last evaluated: 2025-03-03. Review status: criteria provided, single submitter. Criteria: ARUP Molecular Germline Variant Investigation Process 2024. Collection method: clinical testing. Allele origin: germline.

Blueprint Genetics
Classification: Likely benign. Last evaluated: 2024-11-26. Review status: criteria provided, single submitter. Criteria: ACMG Guidelines, 2015. Collection method: clinical testing. Allele origin: germline.

Mayo Clinic Laboratories, Mayo Clinic
Classification: Benign. Last evaluated: 2024-07-22. Review status: criteria provided, single submitter. Criteria: ACMG Guidelines, 2015. Collection method: clinical testing. Allele origin: germline. Observed: 37 variant alleles.
Comment: BS1, BS2

Molecular Genetics, Royal Melbourne Hospital
Classification: Likely benign for TTN-related myopathy. Last evaluated: 2023-06-06. Review status: criteria provided, single submitter. Criteria: ACMG Guidelines, 2015. Collection method: clinical testing. Allele origin: germline. Inheritance: Autosomal recessive inheritance. Affected: no.

Women's Health and Genetics/Laboratory Corporation of America, LabCorp
Classification: Benign. Last evaluated: 2019-11-06. Review status: criteria provided, single submitter. Criteria: LabCorp Variant Classification Summary - May 2015. Collection method: clinical testing. Allele origin: germline.
Comment: Variant summary: TTN c.93508C>T (p.Arg31170Cys) results in a non-conservative amino acid change located in the M-band region of the encoded protein sequence. Four of five in-silico tools predict a damaging effect of the variant on protein function. The variant allele was found at a frequency of 0.0056 in 248932 control chromosomes, predominantly at a frequency of 0.0087 within the Non-Finnish European subpopulation in the gnomAD database, including 6 homozygotes. The observed variant frequency within Non-Finnish European control individuals in the gnomAD database is approximately 14 fold of the estimated maximal expected allele frequency for a pathogenic variant in TTN causing Cardiomyopathy phenotype (0.00063), strongly suggesting that the variant is a benign polymorphism found primarily in populations of Non-Finnish European origin. The variant, c.93508C>T, has been reported in the literature in individuals affected with Cardiomyopathy and other cardiac disease phenotypes that are not considered to be associated with the titin related disease spectrum (Pugh_2014, Campuzano_2015). These reports therefore do support the association of the variant with Cardiomyopathy. To our knowledge, no experimental evidence demonstrating an impact on protein function has been reported. Six ClinVar submitters (evaluation after 2014) cite the variant as benign (2x), likely benign (3x) and uncertain significance (1x). Based on the evidence outlined above, the variant was classified as benign.

Athena Diagnostics
Classification: Benign. Last evaluated: 2019-10-17. Review status: criteria provided, single submitter. Criteria: Athena Diagnostics Criteria. Collection method: clinical testing. Allele origin: unknown.

Center for Advanced Laboratory Medicine, UC San Diego Health, University of California San Diego
Classification: Likely benign for Atrial fibrillation; Cardiomyopathy. Last evaluated: 2019-06-11. Review status: criteria provided, single submitter. Criteria: ACMG Guidelines, 2015. Collection method: clinical testing. Allele origin: germline. Affected: yes. Observed: 3 variant alleles.

GeneDx
Classification: Benign. Last evaluated: 2018-08-22. Review status: criteria provided, single submitter. Criteria: GeneDx Variant Classification Process June 2021. Collection method: clinical testing. Allele origin: germline. Affected: yes.
Comment: This variant is associated with the following publications: (PMID: 32403337)

Illumina Laboratory Services, Illumina
Classification: Uncertain significance for Autosomal recessive limb-girdle muscular dystrophy type 2J. Last evaluated: 2018-01-12. Review status: criteria provided, single submitter. Criteria: ICSL Variant Classification Criteria 13 December 2019. Collection method: clinical testing. Allele origin: germline.

Illumina Laboratory Services, Illumina
Classification: Benign for Myopathy, myofibrillar, 9, with early respiratory failure. Last evaluated: 2018-01-12. Review status: criteria provided, single submitter. Criteria: ICSL Variant Classification Criteria 13 December 2019. Collection method: clinical testing. Allele origin: germline.
Comment: This variant was observed in the ICSL laboratory as part of a predisposition screen in an ostensibly healthy population. It had not been previously curated by ICSL or reported in the Human Gene Mutation Database (HGMD: prior to June 1st, 2018), and was therefore a candidate for classification through an automated scoring system. Utilizing variant allele frequency, disease prevalence and penetrance estimates, and inheritance mode, an automated score was calculated to assess if this variant is too frequent to cause the disease. Based on the score and internal cut-off values, a variant classified as benign is not then subjected to further curation. The score for this variant resulted in a classification of benign for this disease.

Illumina Laboratory Services, Illumina
Classification: Likely benign for Early-onset myopathy with fatal cardiomyopathy. Last evaluated: 2018-01-12. Review status: criteria provided, single submitter. Criteria: ICSL Variant Classification Criteria 13 December 2019. Collection method: clinical testing. Allele origin: germline.
Comment: This variant was observed in the ICSL laboratory as part of a predisposition screen in an ostensibly healthy population. It had not been previously curated by ICSL or reported in the Human Gene Mutation Database (HGMD: prior to June 1st, 2018), and was therefore a candidate for classification through an automated scoring system. Utilizing variant allele frequency, disease prevalence and penetrance estimates, and inheritance mode, an automated score was calculated to assess if this variant is too frequent to cause the disease. Based on the score and internal cut-off values, a variant classified as likely benign is not then subjected to further curation. The score for this variant resulted in a classification of likely benign for this disease.

Illumina Laboratory Services, Illumina
Classification: Likely benign for Dilated cardiomyopathy 1G. Last evaluated: 2018-01-12. Review status: criteria provided, single submitter. Criteria: ICSL Variant Classification Criteria 13 December 2019. Collection method: clinical testing. Allele origin: germline.
Comment: the same text as in the submission from Illumina Laboratory Services, Illumina above.

NM_001267550.2(TTN):c.101212C>T (p.Arg33738Cys)

Genes: TTN (titin; minus strand), TTN-AS1 (TTN antisense RNA 1; plus strand). Cytogenetic location: 2q31.2.
Variant type: single nucleotide variant.
Coding change: c.101212C>T on transcript NM_001267550.2 (MANE Select); coding-DNA position 101212, C replaced by T.
Protein change: p.Arg33738Cys; replaces arginine 33738 with cysteine.
Molecular consequence: missense variant.
Genome position (GRCh38, 1-based): chr2:178,535,403, G>A on the plus strand (C>T on the coding strand, the complement: TTN is on the minus strand). VCF-style: chr2-178535403-G-A. GRCh37 (hg19) VCF-style: chr2-179400130-G-A.
Other names: p.R31170C:CGT>TGT; p.Arg32097Cys; c.96289C>T, p.Arg32097Cys (NM_001256850.1); c.74017C>T, p.Arg24673Cys (NM_003319.4); c.93508C>T, p.Arg31170Cys (NM_133378.4); c.74392C>T, p.Arg24798Cys (NM_133432.3); c.74593C>T, p.Arg24865Cys (NM_133437.4); short protein forms R33738C, R31170C, R32097C, R24673C, R24865C, R24798C.
Identifiers: ClinVar variation 47633 (VCV000047633.87), dbSNP rs56273463, ClinGen allele CA231615.
Genomic context (GRCh38, chr2:178,535,403, plus strand): 5'-AACTTGTTTTTCCAAATAAGTTGATCACGGTATAACGTGTTTCTCGGGCCTGTCCTACAC[G>A]GAGCCATCTTTCTGCAGTAGTTGCACATTTTTCAACAATGTAGTTGGTGATTTTGCTGCC-3'
Protein context (NP_001254479.2, residues 33728-33748): KCATTAERWL[Arg33738Cys]VGQARETRYT